The following is an entry in ClinVar:

NM_017697.4(ESRP1):c.1535dup (p.Asn512fs)

Gene: ESRP1 (epithelial splicing regulatory protein 1; plus strand). Cytogenetic location: 8q22.1.
Variant type: Duplication.
Coding change: c.1535dup on transcript NM_017697.4 (MANE Select); coding-DNA position 1535, one base duplicated (A; older notation c.1535dupA).
Protein change: p.Asn512fs; shifts the reading frame from asparagine 512.
Molecular consequence: frameshift variant.
Genome position (GRCh38, 1-based): chr8:94,674,390, A duplicated; the last of 8 consecutive A bases (chr8:94,674,383-94,674,390); duplicating any one gives the same sequence. VCF-style (leftmost placement, unchanged base first): chr8-94674382-T-TA. GRCh37 (hg19) VCF-style: chr8-95686610-T-TA.
Other names: c.1535dupA (NM_017697.4); c.1535dup, p.Asn512fs (NM_001034915.3, NM_001122825.2, NM_001122826.2 and 1 more transcripts); short protein forms N512fs.
Identifiers: ClinVar variation 4845910 (VCV004845910.1).
Genomic context (GRCh38, chr8:94,674,382, plus strand): 5'-AGATGCCTTTATCCAGATGAAGTCTGCGGACAGAGCATTTATGGCTGCACAGAAGTGTCA[T>TA]AAAAAAAACATGAAGGACAGATATGTTGAAGTCTTTCAGTGTTCAGCTGAGGAGATGAAC-3'

ClinVar aggregate classification (germline): Likely pathogenic (1 of 4 stars; one submission).

Conditions:
Hearing loss, autosomal recessive 109. Also called: DEAFNESS, AUTOSOMAL RECESSIVE 109. Identifiers: MedGen C4693935, MONDO:0033202, OMIM 618013.

Submission:

First Genomix Gene Laboratory, Genetic Diagnostics Department
Classification: Likely pathogenic for Hearing loss, autosomal recessive 109. Last evaluated: 2025-04-30. Review status: criteria provided, single submitter. Criteria: ACMG Guidelines, 2015. Collection method: clinical testing. Allele origin: germline. Inheritance: Autosomal recessive inheritance. Affected: no. Observed: 1 variant allele.